The following is an entry in ClinVar:

NM_001370259.2(MEN1):c.1296_1299delinsACAC (p.Leu432_His433=)

Gene: MEN1 (menin 1; minus strand). Cytogenetic location: 11q13.1.
Variant type: Indel.
Coding change: c.1296_1299delinsACAC on transcript NM_001370259.2 (MANE Select); coding-DNA positions 1296 to 1299, GCAT replaced by ACAC.
Protein change: p.Leu432_His433=.
Molecular consequence: synonymous variant. On other transcripts: non-coding transcript variant (4), intron variant (1).
Genome position (GRCh38, 1-based): chr11:64,805,085-64,805,088, ATGC replaced by GTGT on the plus strand (GCAT replaced by ACAC on the coding strand, the reverse complement: MEN1 is on the minus strand). VCF-style: chr11-64805085-ATGC-GTGT. GRCh37 (hg19) VCF-style: chr11-64572557-ATGC-GTGT.
Other names: c.1311_1314delinsACAC, p.Leu437_His438= (NM_000244.4, NM_001407145.1, NM_130800.3 and 4 more transcripts); c.1422_1425delinsACAC, p.Leu474_His475= (NM_001370251.2, NM_001407142.1, NM_001407143.1 and 1 more transcripts); c.1296_1299delinsACAC, p.Leu432_His433= (NM_001370260.2, NM_001370261.2, NM_001407146.1 and 2 more transcripts); c.1191_1194delinsACAC, p.Leu397_His398= (NM_001370262.2, NM_001370263.2, NM_001407148.1 and 1 more transcripts); c.1437_1440delinsACAC, p.Leu479_His480= (NM_001407150.1); c.1317_1320delinsACAC, p.Leu439_His440= (NM_001407151.1); c.1186-272_1186-269delinsACAC (NM_001407152.1).
Identifiers: ClinVar variation 3773178 (VCV003773178.1).

ClinVar aggregate classification (germline): Benign (1 of 4 stars; one submission).

Conditions:
Multiple endocrine neoplasia, type 1 (MEN1). Also called: MEN I; WERMER SYNDROME; Endocrine adenomatosis multiple; MEN 1; MEA I. Identifiers: Orphanet 652, MedGen C0025267, MeSH D018761, MONDO:0007540, OMIM 131100.

Submission:

Myriad Genetics, Inc.
Classification: Benign for Multiple endocrine neoplasia, type 1. Last evaluated: 2024-11-05. Review status: criteria provided, single submitter. Criteria: Myriad Autosomal Dominant, Autosomal Recessive and X-Linked Classification Criteria (2023). Collection method: clinical testing. Allele origin: unknown.
Comment: This variant is considered benign. This variant is a silent/synonymous amino acid change and it is not expected to impact splicing.